The following is an entry in ClinVar:

NM_002529.4(NTRK1):c.1178-155A>G

Gene: NTRK1 (neurotrophic receptor tyrosine kinase 1; plus strand). Cytogenetic location: 1q23.1.
Variant type: single nucleotide variant.
Coding change: c.1178-155A>G on transcript NM_002529.4 (MANE Select); 155 bases into the intron before coding-DNA position 1178, A replaced by G.
Molecular consequence: intron variant.
Genome position (GRCh38, 1-based): chr1:156,874,228, A>G. VCF-style: chr1-156874228-A-G. GRCh37 (hg19) VCF-style: chr1-156844020-A-G.
Other names: c.1087+269A>G (NM_001007792.1); c.1177+269A>G (NM_001012331.2).
Identifiers: ClinVar variation 1675389 (VCV001675389.33), dbSNP rs140550074, ClinGen allele CA31115847.
Genomic context (GRCh38, chr1:156,874,228, plus strand): 5'-TGGCTGAGGAGACAGCCATGCAGCAGGGCATCCTGGCCCAGCTGGAAAAGGGTCACATGC[A>G]TCTTCTTCCTTGAGGCCCAGCAGCCCACCTCCATCCCCCCTCGTCCCATGAAGGAATGAG-3'

ClinVar aggregate classification (germline): Benign/Likely benign. Review status: criteria provided, multiple submitters, no conflicts (2 of 4 stars). 2 submissions from 2 submitters: Benign (1); Likely benign (1). Last evaluated 2026-06-01.

Allele frequency attached by ClinVar (database versions not stated): 1000 Genomes Project 0.00140; 1000 Genomes Project 30x 0.00172; gnomAD 0.00435 and 0.00451; TOPMed 0.00490.
gnomAD v4.1: 5,676 of 1,186,224 alleles (0.48%); highest among the groups gnomAD compares: Admixed American, 0.74%; 22 homozygotes.

Submissions (2):

CeGaT Center for Human Genetics Tuebingen
Classification: Likely benign. Last evaluated: 2026-06-01. Review status: criteria provided, single submitter. Criteria: CeGaT Center For Human Genetics Tuebingen Variant Classification Criteria Version 2. Collection method: clinical testing. Allele origin: germline. Affected: yes. Observed: 21 variant alleles.
Comment: NTRK1: BS2

Breakthrough Genomics
Classification: Benign. Review status: criteria provided, single submitter. Criteria: ACMG Guidelines, 2015. Collection method: not provided. Allele origin: germline. Inheritance: Autosomal recessive inheritance. Affected: yes.